The following is an entry in ClinVar:

ClinVar aggregate classification (germline): Uncertain significance (1 of 4 stars; one submission).

Conditions:
Wilson disease (WND). Also called: Wilson's disease. Identifiers: Orphanet 905, MedGen C0019202, MONDO:0010200, OMIM 277900. Disease mechanism: loss of function.

Allele frequency attached by ClinVar (database versions not stated): gnomAD exomes below 0.00001.
gnomAD v4.1: 1 of 1,614,122 alleles (0.000062%); highest among the groups gnomAD compares: Non-Finnish European, 0.000085%; no homozygotes.

Submission:

Labcorp Genetics (formerly Invitae), Labcorp
Classification: Uncertain significance for Wilson disease. Last evaluated: 2024-05-29. Review status: criteria provided, single submitter. Criteria: Invitae Variant Classification Sherloc (09022015). Collection method: clinical testing. Allele origin: germline.
Comment: This sequence change replaces proline, which is neutral and non-polar, with leucine, which is neutral and non-polar, at codon 308 of the ATP7B protein (p.Pro308Leu). This variant is not present in population databases (gnomAD no frequency). This variant has not been reported in the literature in individuals affected with ATP7B-related conditions. ClinVar contains an entry for this variant (Variation ID: 1509386). Advanced modeling of protein sequence and biophysical properties (such as structural, functional, and spatial information, amino acid conservation, physicochemical variation, residue mobility, and thermodynamic stability) performed at Invitae indicates that this missense variant is not expected to disrupt ATP7B protein function with a negative predictive value of 95%. In summary, the available evidence is currently insufficient to determine the role of this variant in disease. Therefore, it has been classified as a Variant of Uncertain Significance.

NM_000053.4(ATP7B):c.923C>T (p.Pro308Leu)

Gene: ATP7B (ATPase copper transporting beta; minus strand). Cytogenetic location: 13q14.3.
Variant type: single nucleotide variant.
Coding change: c.923C>T on transcript NM_000053.4 (MANE Select); coding-DNA position 923, C replaced by T.
Protein change: p.Pro308Leu; replaces proline 308 with leucine.
Molecular consequence: missense variant. On other transcripts: intron variant (1).
Genome position (GRCh38, 1-based): chr13:51,974,297, G>A on the plus strand (C>T on the coding strand, the complement: ATP7B is on the minus strand). VCF-style: chr13-51974297-G-A. GRCh37 (hg19) VCF-style: chr13-52548433-G-A.
Other names: c.923C>T, p.Pro308Leu (NM_001005918.3, NM_001330578.2, NM_001330579.2); c.802+121C>T (NM_001243182.2); short protein forms P308L.
Identifiers: ClinVar variation 1509386 (VCV001509386.7), dbSNP rs1951995908, ClinGen allele CA388040322.